The following is an entry in ClinVar:

ClinVar aggregate classification (germline): Benign. Review status: criteria provided, multiple submitters, no conflicts (2 of 4 stars). 3 submissions from 3 submitters: Benign (3). Last evaluated 2024-07-15.

Conditions:
Focal segmental glomerulosclerosis 5 (FSGS5). Identifiers: Orphanet 656, MedGen C2750475, MONDO:0013191, OMIM 613237.

Allele frequency attached by ClinVar (database versions not stated): gnomAD 0.45873 and 0.46956; TOPMed 0.47122; gnomAD exomes 0.52828; 1000 Genomes Project 30x 0.54497; 1000 Genomes Project 0.54812.

Submissions (3):

Unidad de Genómica Garrahan, Hospital de Pediatría Garrahan
Classification: Benign. Last evaluated: 2024-07-15. Review status: criteria provided, single submitter. Criteria: ACMG Guidelines, 2015. Collection method: clinical testing. Allele origin: germline. Affected: no. Observed: 83 variant alleles.
Comment: This variant is classified as Benign based on local population frequency. This variant was detected in 89% of patients studied in a panel designed for Epileptic and Developmental Encephalopathy and Progressive Myoclonus Epilepsy. Number of patients: 83. Only high quality variants are reported.

Illumina Laboratory Services, Illumina
Classification: Benign for Focal segmental glomerulosclerosis 5. Last evaluated: 2017-04-27. Review status: criteria provided, single submitter. Criteria: ICSL Variant Classification Criteria 13 December 2019. Collection method: clinical testing. Allele origin: germline.
Comment: This variant was observed as part of a predisposition screen in an ostensibly healthy population. A literature search was performed for the gene, cDNA change, and amino acid change (where applicable). No publications were found based on this search. Allele frequency data from public databases was too high to be consistent with this variant causing disease. Therefore, this variant is classified as benign.

Breakthrough Genomics
Classification: Benign. Review status: criteria provided, single submitter. Criteria: ACMG Guidelines, 2015. Collection method: not provided. Allele origin: germline. Inheritance: Autosomal dominant inheritance. Affected: yes.

NM_022489.4(INF2):c.*536G>T

Gene: INF2 (inverted formin 2; plus strand). Cytogenetic location: 14q32.33.
Variant type: single nucleotide variant.
Coding change: c.*536G>T on transcript NM_022489.4 (MANE Select); 536 bases downstream of the stop codon, G replaced by T.
Molecular consequence: 3 prime UTR variant.
Genome position (GRCh38, 1-based): chr14:104,719,329, G>T. VCF-style: chr14-104719329-G-T. GRCh37 (hg19) VCF-style: chr14-105185666-G-T.
Other names: c.*506G>T (NM_001031714.4).
Identifiers: ClinVar variation 312721 (VCV000312721.8), dbSNP rs1128880, ClinGen allele CA10644951.